The following is an entry in ClinVar:

ClinVar aggregate classification (germline): Uncertain significance (1 of 4 stars; one submission).

Conditions:
Hereditary cancer-predisposing syndrome. Also called: Tumor predisposition; Hereditary Cancer Syndrome; Hereditary neoplastic syndrome; Neoplastic Syndromes, Hereditary. Identifiers: Orphanet 140162, MedGen C0027672, MeSH D009386, MONDO:0015356.

Submission:

Ambry Genetics
Classification: Uncertain significance for Hereditary cancer-predisposing syndrome. Last evaluated: 2023-09-05. Review status: criteria provided, single submitter. Criteria: Ambry Variant Classification Scheme 2023. Collection method: clinical testing. Allele origin: germline.
Comment: The c.4071_4072delGAinsAG variant, located in coding exon 20 of the MET gene, results from an in-frame deletion of GA and insertion of AG at nucleotide positions 4071 to 4072. This results in the substitution of the isoleucine residue for a valine residue at codon 1358, an amino acid with highly similar properties. This amino acid position is highly conserved in available vertebrate species. In addition, this alteration is predicted to be neutral by in silico analysis (Choi Y et al. PLoS ONE. 2012; 7(10):e46688). Since supporting evidence is limited at this time, the clinical significance of this alteration remains unclear.

NM_000245.4(MET):c.4017_4018delinsAG (p.Ile1340Val)

Gene: MET (MET proto-oncogene, receptor tyrosine kinase; plus strand). Cytogenetic location: 7q31.2.
Variant type: Indel.
Coding change: c.4017_4018delinsAG on transcript NM_000245.4 (MANE Select); coding-DNA positions 4017 to 4018, GA replaced by AG.
Protein change: p.Ile1340Val; replaces isoleucine 1340 with valine.
Molecular consequence: missense variant.
Genome position (GRCh38, 1-based): chr7:116,795,968-116,795,969, GA replaced by AG. VCF-style: chr7-116795968-GA-AG. GRCh37 (hg19) VCF-style: chr7-116436022-GA-AG.
Other names: c.4071_4072delinsAG, p.Ile1358Val (NM_001127500.3); c.2727_2728delinsAG, p.Ile910Val (NM_001324402.2); short protein forms I1358V, I1340V, I910V.
Identifiers: ClinVar variation 2587494 (VCV002587494.2), dbSNP rs2485874445, ClinGen allele CA2582341947.